The following is an entry in ClinVar:

ClinVar aggregate classification (germline): Benign/Likely benign. Review status: criteria provided, multiple submitters, no conflicts (2 of 4 stars). 6 submissions from 6 submitters: Benign (1); Likely benign (5). Last evaluated 2026-06-01.

Conditions:
Epidermolysis bullosa simplex with nail dystrophy (EBS5D). Identifiers: MedGen C4225309, MONDO:0014661, OMIM 616487.
Autosomal recessive limb-girdle muscular dystrophy type 2Q (LGMDR17). Also called: MUSCULAR DYSTROPHY, LIMB-GIRDLE, AUTOSOMAL RECESSIVE 17. Identifiers: Orphanet 254361, MedGen C3150989, MONDO:0013390, OMIM 613723.
Epidermolysis bullosa simplex, Ogna type (EBS5A). Also called: Pidermolysis bullosa simplex 5A, Ogna type; EPIDERMOLYSIS BULLOSA SIMPLEX 5A, OGNA TYPE. Identifiers: Orphanet 79401, MedGen C0432317, MONDO:0007555, OMIM 131950.
Epidermolysis bullosa simplex 5B, with muscular dystrophy (EBS5B). Also called: Epidermolysis bullosa simplex with muscular dystrophy; EPIDERMOLYSIS BULLOSA SIMPLEX AND LIMB-GIRDLE MUSCULAR DYSTROPHY. Identifiers: Orphanet 257, MedGen C2931072, MONDO:0009181, OMIM 226670.
Epidermolysis bullosa simplex 5C, with pyloric atresia (EBS5C). Also called: PLEC-Related Epidermolysis Bullosa with Pyloric Atresia; Epidermolysis bullosa simplex with pyloric atresia; PLEC1-Related Epidermolysis Bullosa with Pyloric Atresia. Identifiers: Orphanet 158684, MedGen C2677349, MONDO:0012807, OMIM 612138.

Allele frequency attached by ClinVar (database versions not stated): gnomAD 0.00011 and 0.00015; gnomAD exomes 0.00024 and 0.00098; TOPMed 0.00038; ExAC 0.00086.
gnomAD v4.1: 372 of 1,613,474 alleles (0.023%); highest among the groups gnomAD compares: Admixed American, 0.38%; 1 homozygote.

Submissions (6):

CeGaT Center for Human Genetics Tuebingen
Classification: Likely benign. Last evaluated: 2026-06-01. Review status: criteria provided, single submitter. Criteria: CeGaT Center For Human Genetics Tuebingen Variant Classification Criteria Version 2. Collection method: clinical testing. Allele origin: germline. Affected: yes. Observed: 3 variant alleles.
Comment: PLEC: BP4, BP7

Labcorp Genetics (formerly Invitae), Labcorp
Classification: Benign for Autosomal recessive limb-girdle muscular dystrophy type 2Q; Epidermolysis bullosa simplex, Ogna type; Epidermolysis bullosa simplex with nail dystrophy; Epidermolysis bullosa simplex 5C, with pyloric atresia; Epidermolysis bullosa simplex 5B, with muscular dystrophy. Last evaluated: 2025-12-13. Review status: criteria provided, single submitter. Criteria: Invitae Variant Classification Sherloc (09022015). Collection method: clinical testing. Allele origin: germline.

Blueprint Genetics
Classification: Likely benign. Last evaluated: 2024-08-21. Review status: criteria provided, single submitter. Criteria: ACMG Guidelines, 2015. Collection method: clinical testing. Allele origin: germline.

GeneDx
Classification: Likely benign. Last evaluated: 2019-08-14. Review status: criteria provided, single submitter. Criteria: GeneDx Variant Classification Process June 2021. Collection method: clinical testing. Allele origin: germline. Affected: yes.

Eurofins Ntd Llc (ga)
Classification: Likely benign. Last evaluated: 2017-03-15. Review status: criteria provided, single submitter. Criteria: EGL Classification Definitions 2015. Collection method: clinical testing. Allele origin: germline. Observed: 2 variant alleles, 2 heterozygotes.

Breakthrough Genomics
Classification: Likely benign. Review status: criteria provided, single submitter. Criteria: ACMG Guidelines, 2015. Collection method: not provided. Allele origin: germline. Inheritance: Autosomal recessive inheritance. Affected: yes.

NM_201384.3(PLEC):c.12027C>T (p.Arg4009=)

Gene: PLEC (plectin; minus strand). Cytogenetic location: 8q24.3.
Variant type: single nucleotide variant.
Coding change: c.12027C>T on transcript NM_201384.3 (MANE Select); coding-DNA position 12027, C replaced by T.
Protein change: p.Arg4009=; no amino-acid change (arginine 4009 retained).
Molecular consequence: synonymous variant.
Genome position (GRCh38, 1-based): chr8:143,917,794, G>A on the plus strand (C>T on the coding strand, the complement: PLEC is on the minus strand). VCF-style: chr8-143917794-G-A. GRCh37 (hg19) VCF-style: chr8-144991962-G-A.
Other names: c.12108C>T, p.Arg4036= (NM_000445.5); c.11985C>T, p.Arg3995= (NM_201378.4); c.11961C>T, p.Arg3987= (NM_201379.3); c.12438C>T, p.Arg4146= (NM_201380.4); c.11931C>T, p.Arg3977= (NM_201381.3); c.12027C>T, p.Arg4009= (NM_201382.4); c.12039C>T, p.Arg4013= (NM_201383.3).
Identifiers: ClinVar variation 389532 (VCV000389532.22), dbSNP rs762178584, ClinGen allele CA4924192.